The following is an entry in ClinVar:

ClinVar aggregate classification (germline): Uncertain significance. Review status: criteria provided, multiple submitters, no conflicts (2 of 4 stars). 2 submissions from 2 submitters: Uncertain significance (2). Last evaluated 2025-05-26.

Conditions:
Bardet-Biedl syndrome (BBS). Identifiers: Orphanet 110, MedGen C0752166, MONDO:0015229.
Heart defect - tongue hamartoma - polysyndactyly syndrome. Also called: Congenital heart defects, hamartomas of tongue, and polysyndactyly. Identifiers: Orphanet 1338, MedGen C1857587, MONDO:0009008, OMIM 217085.
Bardet-Biedl syndrome 15 (BBS15). Identifiers: Orphanet 110, MedGen C3150127, MONDO:0014443, OMIM 615992.

gnomAD v4.1: 2 of 1,614,062 alleles (0.00012%); highest among the groups gnomAD compares: Non-Finnish European, 0.00017%; no homozygotes.

Submissions (2):

Labcorp Genetics (formerly Invitae), Labcorp
Classification: Uncertain significance for Bardet-Biedl syndrome. Last evaluated: 2025-05-26. Review status: criteria provided, single submitter. Criteria: Invitae Variant Classification Sherloc (09022015). Collection method: clinical testing. Allele origin: germline.
Comment: This sequence change replaces aspartic acid, which is acidic and polar, with valine, which is neutral and non-polar, at codon 358 of the WDPCP protein (p.Asp358Val). This variant is present in population databases (rs775383194, gnomAD 0.0009%). This variant has not been reported in the literature in individuals affected with WDPCP-related conditions. ClinVar contains an entry for this variant (Variation ID: 3586822). Invitae Evidence Modeling of protein sequence and biophysical properties (such as structural, functional, and spatial information, amino acid conservation, physicochemical variation, residue mobility, and thermodynamic stability) indicates that this missense variant is expected to disrupt WDPCP protein function with a positive predictive value of 80%. In summary, the available evidence is currently insufficient to determine the role of this variant in disease. Therefore, it has been classified as a Variant of Uncertain Significance.

Fulgent Genetics
Classification: Uncertain significance for Heart defect - tongue hamartoma - polysyndactyly syndrome; Bardet-Biedl syndrome 15. Last evaluated: 2024-03-03. Review status: criteria provided, single submitter. Criteria: ACMG Guidelines, 2015. Collection method: clinical testing. Allele origin: germline.

NM_015910.7(WDPCP):c.1073A>T (p.Asp358Val)

Gene: WDPCP (WD repeat containing planar cell polarity effector; minus strand). Cytogenetic location: 2p15.
Variant type: single nucleotide variant.
Coding change: c.1073A>T on transcript NM_015910.7 (MANE Select); coding-DNA position 1073, A replaced by T.
Protein change: p.Asp358Val; replaces aspartic acid 358 with valine.
Molecular consequence: missense variant. On other transcripts: non-coding transcript variant (3).
Genome position (GRCh38, 1-based): chr2:63,404,410, T>A on the plus strand (A>T on the coding strand, the complement: WDPCP is on the minus strand). VCF-style: chr2-63404410-T-A. GRCh37 (hg19) VCF-style: chr2-63631545-T-A.
Other names: c.596A>T, p.Asp199Val (NM_001042692.3); c.1001A>T, p.Asp334Val (NM_001354044.2); c.1073A>T, p.Asp358Val (NM_001354045.2); short protein forms D199V, D358V, D334V.
Identifiers: ClinVar variation 3586822 (VCV003586822.2).